The following is an entry in ClinVar:

ClinVar aggregate classification (germline): Conflicting classifications of pathogenicity. Review status: criteria provided, conflicting classifications (1 of 4 stars). 4 submissions from 4 submitters: Uncertain significance (3); Likely benign (1). Last evaluated 2026-01-27.

Conditions:
Renal cell carcinoma. Identifiers: Orphanet 217071, MedGen C0007134, MeSH D002292, MONDO:0005086, HP:0005584.
Hereditary cancer-predisposing syndrome. Also called: Neoplastic Syndromes, Hereditary; Tumor predisposition; Hereditary neoplastic syndrome; Hereditary Cancer Syndrome. Identifiers: Orphanet 140162, MedGen C0027672, MeSH D009386, MONDO:0015356.

Allele frequency attached by ClinVar (database versions not stated): gnomAD exomes below 0.00001; ExAC 0.00001.
gnomAD v4.1: 1 of 1,613,894 alleles (0.000062%); highest among the groups gnomAD compares: Non-Finnish European, 0.000085%; no homozygotes.

Submissions (4):

Labcorp Genetics (formerly Invitae), Labcorp
Classification: Uncertain significance for Renal cell carcinoma. Last evaluated: 2026-01-27. Review status: criteria provided, single submitter. Criteria: Invitae Variant Classification Sherloc (09022015). Collection method: clinical testing. Allele origin: germline.
Comment: This sequence change replaces aspartic acid, which is acidic and polar, with asparagine, which is neutral and polar, at codon 1119 of the MET protein (p.Asp1119Asn). This variant is present in population databases (rs749678495, gnomAD 0.0009%). This variant has not been reported in the literature in individuals affected with MET-related conditions. ClinVar contains an entry for this variant (Variation ID: 823653). Invitae Evidence Modeling of protein sequence and biophysical properties (such as structural, functional, and spatial information, amino acid conservation, physicochemical variation, residue mobility, and thermodynamic stability) indicates that this missense variant is not expected to disrupt MET protein function with a negative predictive value of 80%. In summary, the available evidence is currently insufficient to determine the role of this variant in disease. Therefore, it has been classified as a Variant of Uncertain Significance.

Ambry Genetics
Classification: Likely benign for Hereditary cancer-predisposing syndrome. Last evaluated: 2024-12-03. Review status: criteria provided, single submitter. Criteria: Ambry Variant Classification Scheme 2023. Collection method: clinical testing. Allele origin: germline.

Quest Diagnostics Nichols Institute San Juan Capistrano
Classification: Uncertain significance. Last evaluated: 2024-10-16. Review status: criteria provided, single submitter. Criteria: Quest Diagnostics criteria. Collection method: clinical testing. Allele origin: unknown.
Comment: The MET c.3355G>A (p.Asp1119Asn) variant has not been reported in individuals with MET-related conditions in the published literature. The frequency of this variant in the general population, 0.000004 (1/249372 chromosomes (Genome Aggregation Database)), is uninformative in the assessment of its pathogenicity. Analysis of this variant using bioinformatics tools for the prediction of the effect of amino acid changes on protein structure and function yielded predictions that this variant is benign. Based on the available information, we are unable to determine the clinical significance of this variant.

GeneDx
Classification: Uncertain significance. Last evaluated: 2024-06-10. Review status: criteria provided, single submitter. Criteria: GeneDx Variant Classification Process June 2021. Collection method: clinical testing. Allele origin: germline. Affected: yes.
Comment: Not observed at significant frequency in large population cohorts (gnomAD); In silico analysis indicates that this missense variant does not alter protein structure/function; Has not been previously published as pathogenic or benign to our knowledge

NM_000245.4(MET):c.3301G>A (p.Asp1101Asn)

Gene: MET (MET proto-oncogene, receptor tyrosine kinase; plus strand). Cytogenetic location: 7q31.2.
Variant type: single nucleotide variant.
Coding change: c.3301G>A on transcript NM_000245.4 (MANE Select); coding-DNA position 3301, G replaced by A.
Protein change: p.Asp1101Asn; replaces aspartic acid 1101 with asparagine.
Molecular consequence: missense variant.
Genome position (GRCh38, 1-based): chr7:116,777,430, G>A. VCF-style: chr7-116777430-G-A. GRCh37 (hg19) VCF-style: chr7-116417484-G-A.
Other names: c.3355G>A, p.Asp1119Asn (NM_001127500.3); c.2011G>A, p.Asp671Asn (NM_001324402.2); c.3355G>A (NM_001127500.2); short protein forms D1101N, D1119N, D671N.
Identifiers: ClinVar variation 823653 (VCV000823653.18), dbSNP rs749678495, ClinGen allele CA4448691.
Genomic context (GRCh38, chr7:116,777,430, plus strand): 5'-AGTTCTTTCTTTTGCACAGGGCATTTTGGTTGTGTATATCATGGGACTTTGTTGGACAAT[G>A]ATGGCAAGAAAATTCACTGTGCTGTGAAATCCTTGAACAGTAAGTGGCATTTTATTTAAC-3'
Protein context (NP_000236.2, residues 1091-1111): CVYHGTLLDN[Asp1101Asn]GKKIHCAVKS